The following is an entry in ClinVar:

NM_198428.3(BBS9):c.1844A>G (p.Glu615Gly)

Gene: BBS9 (Bardet-Biedl syndrome 9; plus strand). Cytogenetic location: 7p14.3.
Variant type: single nucleotide variant.
Coding change: c.1844A>G on transcript NM_198428.3 (MANE Select); coding-DNA position 1844, A replaced by G.
Protein change: p.Glu615Gly; replaces glutamic acid 615 with glycine.
Molecular consequence: missense variant. On other transcripts: non-coding transcript variant (3).
Genome position (GRCh38, 1-based): chr7:33,383,720, A>G. VCF-style: chr7-33383720-A-G. GRCh37 (hg19) VCF-style: chr7-33423332-A-G.
Other names: c.1739A>G, p.Glu580Gly (NM_001033604.2); c.1829A>G, p.Glu610Gly (NM_001033605.2); c.1844A>G, p.Glu615Gly (NM_001348036.1, NM_001348041.4, NM_001348043.3 and 1 more transcripts); c.1478A>G, p.Glu493Gly (NM_001348037.3, NM_001348045.3, NM_001348046.3); c.1571A>G, p.Glu524Gly (NM_001348038.3); c.1466A>G, p.Glu489Gly (NM_001348039.3); c.1724A>G, p.Glu575Gly (NM_001348040.3, NM_014451.4); c.1709A>G, p.Glu570Gly (NM_001348042.3); and 1 more; short protein forms E524G, E575G, E489G, E493G, E580G, E610G, E458G, E570G.
Identifiers: ClinVar variation 1044975 (VCV001044975.9), dbSNP rs370925964, ClinGen allele CA4214528.

ClinVar aggregate classification (germline): Uncertain significance. Review status: criteria provided, multiple submitters, no conflicts (2 of 4 stars). 2 submissions from 2 submitters: Uncertain significance (2). Last evaluated 2021-11-06.

Conditions:
Bardet-Biedl syndrome 9 (BBS9). Identifiers: Orphanet 110, MedGen C1859567, MONDO:0014437, OMIM 615986.
Bardet-Biedl syndrome (BBS). Identifiers: Orphanet 110, MedGen C0752166, MONDO:0015229.

Allele frequency attached by ClinVar (database versions not stated): ExAC 0.00001; gnomAD 0.00001; gnomAD exomes 0.00001; TOPMed 0.00002; ESP Exome Variant Server 0.00008.
gnomAD v4.1: 9 of 1,611,888 alleles (0.00056%); highest among the groups gnomAD compares: Non-Finnish European, 0.00076%; no homozygotes.

Submissions (2):

Fulgent Genetics
Classification: Uncertain significance for Bardet-Biedl syndrome 9. Last evaluated: 2021-11-06. Review status: criteria provided, single submitter. Criteria: ACMG Guidelines, 2015. Collection method: clinical testing. Allele origin: unknown.

Labcorp Genetics (formerly Invitae), Labcorp
Classification: Uncertain significance for Bardet-Biedl syndrome. Last evaluated: 2020-03-03. Review status: criteria provided, single submitter. Criteria: Invitae Variant Classification Sherloc (09022015). Collection method: clinical testing. Allele origin: germline.
Comment: This sequence change replaces glutamic acid with glycine at codon 615 of the BBS9 protein (p.Glu615Gly). The glutamic acid residue is highly conserved and there is a moderate physicochemical difference between glutamic acid and glycine. This variant is present in population databases (rs370925964, ExAC 0.002%). This variant has not been reported in the literature in individuals with BBS9-related conditions. Algorithms developed to predict the effect of missense changes on protein structure and function are either unavailable or do not agree on the potential impact of this missense change (SIFT: "Deleterious"; PolyPhen-2: "Probably Damaging"; Align-GVGD: "Class C0"). In summary, the available evidence is currently insufficient to determine the role of this variant in disease. Therefore, it has been classified as a Variant of Uncertain Significance.